The following is an entry in ClinVar:

NM_004933.3(CDH15):c.2247G>A (p.Leu749=)

Gene: CDH15 (cadherin 15; plus strand). Cytogenetic location: 16q24.3.
Variant type: single nucleotide variant.
Coding change: c.2247G>A on transcript NM_004933.3 (MANE Select); coding-DNA position 2247, G replaced by A.
Protein change: p.Leu749=; no amino-acid change (leucine 749 retained).
Molecular consequence: synonymous variant.
Genome position (GRCh38, 1-based): chr16:89,194,957, G>A. VCF-style: chr16-89194957-G-A. GRCh37 (hg19) VCF-style: chr16-89261365-G-A.
Identifiers: ClinVar variation 2578771 (VCV002578771.25), dbSNP rs2543979484, ClinGen allele CA497370826.

ClinVar aggregate classification (germline): Likely benign (1 of 4 stars; one submission).

Submission:

CeGaT Center for Human Genetics Tuebingen
Classification: Likely benign. Last evaluated: 2023-08-01. Review status: criteria provided, single submitter. Criteria: CeGaT Center For Human Genetics Tuebingen Variant Classification Criteria Version 2. Collection method: clinical testing. Allele origin: germline. Affected: yes. Observed: 1 variant allele.
Comment: CDH15: PM2:Supporting, BP4, BP7